The following is an entry in ClinVar:

ClinVar aggregate classification (germline): Uncertain significance. Review status: criteria provided, multiple submitters, no conflicts (2 of 4 stars). 2 submissions from 2 submitters: Uncertain significance (2). Last evaluated 2024-10-09.

Submissions (2):

Ambry Genetics
Classification: Uncertain significance. Last evaluated: 2024-10-09. Review status: criteria provided, single submitter. Criteria: Ambry Variant Classification Scheme 2023. Collection method: clinical testing. Allele origin: germline.

Labcorp Genetics (formerly Invitae), Labcorp
Classification: Uncertain significance. Last evaluated: 2024-09-18. Review status: criteria provided, single submitter. Criteria: Invitae Variant Classification Sherloc (09022015). Collection method: clinical testing. Allele origin: germline.
Comment: This sequence change replaces leucine, which is neutral and non-polar, with methionine, which is neutral and non-polar, at codon 276 of the KANK4 protein (p.Leu276Met). This variant is present in population databases (rs149598249, gnomAD 0.002%). This variant has not been reported in the literature in individuals affected with KANK4-related conditions. An algorithm developed to predict the effect of missense changes on protein structure and function (PolyPhen-2) suggests that this variant is likely to be tolerated. In summary, the available evidence is currently insufficient to determine the role of this variant in disease. Therefore, it has been classified as a Variant of Uncertain Significance.

NM_181712.5(KANK4):c.826T>A (p.Leu276Met)

Gene: KANK4 (KN motif and ankyrin repeat domains 4; minus strand). Cytogenetic location: 1p31.3.
Variant type: single nucleotide variant.
Coding change: c.826T>A on transcript NM_181712.5 (MANE Select); coding-DNA position 826, T replaced by A.
Protein change: p.Leu276Met; replaces leucine 276 with methionine.
Molecular consequence: missense variant. On other transcripts: intron variant (1).
Genome position (GRCh38, 1-based): chr1:62,274,278, A>T on the plus strand (T>A on the coding strand, the complement: KANK4 is on the minus strand). VCF-style: chr1-62274278-A-T. GRCh37 (hg19) VCF-style: chr1-62739950-A-T.
Other names: c.17-2689T>A (NM_001320269.2); short protein forms L276M.
Identifiers: ClinVar variation 3531738 (VCV003531738.3).